The following is an entry in ClinVar:

ClinVar aggregate classification (germline): Uncertain significance (1 of 4 stars; one submission).

Conditions:
Dyskeratosis congenita. Identifiers: Orphanet 1775, MedGen C0265965, MONDO:0015780.

Submission:

Labcorp Genetics (formerly Invitae), Labcorp
Classification: Uncertain significance for Dyskeratosis congenita. Last evaluated: 2020-08-03. Review status: criteria provided, single submitter. Criteria: Invitae Variant Classification Sherloc (09022015). Collection method: clinical testing. Allele origin: germline.
Comment: In summary, the available evidence is currently insufficient to determine the role of this variant in disease. Therefore, it has been classified as a Variant of Uncertain Significance. Algorithms developed to predict the effect of missense changes on protein structure and function are either unavailable or do not agree on the potential impact of this missense change (SIFT: "Tolerated"; PolyPhen-2: "Possibly Damaging"; Align-GVGD: "Class C0"). This sequence change replaces leucine with proline at codon 35 of the TINF2 protein (p.Leu35Pro). The leucine residue is moderately conserved and there is a moderate physicochemical difference between leucine and proline. This variant is not present in population databases (ExAC no frequency). This variant has not been reported in the literature in individuals with TINF2-related conditions.

NM_001099274.3(TINF2):c.104T>C (p.Leu35Pro)

Genes: TINF2 (TERF1 interacting nuclear factor 2; minus strand), LOC130055403 (ATAC-STARR-seq lymphoblastoid active region 8199; plus strand). Cytogenetic location: 14q12.
Variant type: single nucleotide variant.
Coding change: c.104T>C on transcript NM_001099274.3 (MANE Select); coding-DNA position 104, T replaced by C.
Protein change: p.Leu35Pro; replaces leucine 35 with proline.
Molecular consequence: missense variant.
Genome position (GRCh38, 1-based): chr14:24,242,229, A>G on the plus strand (T>C on the coding strand, the complement: TINF2 is on the minus strand). VCF-style: chr14-24242229-A-G. GRCh37 (hg19) VCF-style: chr14-24711435-A-G.
Other names: c.104T>C, p.Leu35Pro (NM_001363668.2, NM_012461.3); short protein forms L35P.
Identifiers: ClinVar variation 1052166 (VCV001052166.9), dbSNP rs1440307893, ClinGen allele CA389235895.